The following is an entry in ClinVar:

NM_016006.6(ABHD5):c.721G>A (p.Glu241Lys)

Gene: ABHD5 (abhydrolase domain containing 5, lysophosphatidic acid acyltransferase; plus strand). Cytogenetic location: 3p21.33.
Variant type: single nucleotide variant.
Coding change: c.721G>A on transcript NM_016006.6 (MANE Select); coding-DNA position 721, G replaced by A.
Protein change: p.Glu241Lys; replaces glutamic acid 241 with lysine.
Molecular consequence: missense variant.
Genome position (GRCh38, 1-based): chr3:43,715,006, G>A. VCF-style: chr3-43715006-G-A. GRCh37 (hg19) VCF-style: chr3-43756498-G-A.
Other names: c.721G>A, p.Glu241Lys (NM_001355186.2, NM_001365650.1); c.598G>A, p.Glu200Lys (NM_001365649.1); short protein forms E200K, E241K.
Identifiers: ClinVar variation 2018830 (VCV002018830.4), dbSNP rs1397734423, ClinGen allele CA352347262.

ClinVar aggregate classification (germline): Uncertain significance (1 of 4 stars; one submission).

Submission:

Labcorp Genetics (formerly Invitae), Labcorp
Classification: Uncertain significance. Last evaluated: 2022-11-22. Review status: criteria provided, single submitter. Criteria: Invitae Variant Classification Sherloc (09022015). Collection method: clinical testing. Allele origin: germline.
Comment: In summary, the available evidence is currently insufficient to determine the role of this variant in disease. Therefore, it has been classified as a Variant of Uncertain Significance. Advanced modeling of protein sequence and biophysical properties (such as structural, functional, and spatial information, amino acid conservation, physicochemical variation, residue mobility, and thermodynamic stability) performed at Invitae indicates that this missense variant is not expected to disrupt ABHD5 protein function. This variant has not been reported in the literature in individuals affected with ABHD5-related conditions. This variant is not present in population databases (gnomAD no frequency). This sequence change replaces glutamic acid, which is acidic and polar, with lysine, which is basic and polar, at codon 241 of the ABHD5 protein (p.Glu241Lys).